The following is an entry in ClinVar:

ClinVar aggregate classification (germline): Uncertain significance (1 of 4 stars; one submission).

Conditions:
Familial cancer of breast. Also called: Hereditary breast cancer; hereditary breast carcinoma; BREAST CANCER, FAMILIAL. Identifiers: Orphanet 227535, MedGen C0346153, MONDO:0016419, OMIM 114480. Disease mechanism: loss of function.

Submission:

Labcorp Genetics (formerly Invitae), Labcorp
Classification: Uncertain significance for Familial cancer of breast. Last evaluated: 2025-08-20. Review status: criteria provided, single submitter. Criteria: Invitae Variant Classification Sherloc (09022015). Collection method: clinical testing. Allele origin: germline.
Comment: This sequence change replaces proline, which is neutral and non-polar, with alanine, which is neutral and non-polar, at codon 246 of the BARD1 protein (p.Pro246Ala). This variant is not present in population databases (gnomAD no frequency). This variant has not been reported in the literature in individuals affected with BARD1-related conditions. An algorithm developed to predict the effect of missense changes on protein structure and function (PolyPhen-2) suggests that this variant is likely to be tolerated. In summary, the available evidence is currently insufficient to determine the role of this variant in disease. Therefore, it has been classified as a Variant of Uncertain Significance.

NM_000465.4(BARD1):c.736C>G (p.Pro246Ala)

Gene: BARD1 (BRCA1 associated RING domain 1; minus strand). Cytogenetic location: 2q35.
Variant type: single nucleotide variant.
Coding change: c.736C>G on transcript NM_000465.4 (MANE Select); coding-DNA position 736, C replaced by G.
Protein change: p.Pro246Ala; replaces proline 246 with alanine.
Molecular consequence: missense variant. On other transcripts: non-coding transcript variant (2), intron variant (3).
Genome position (GRCh38, 1-based): chr2:214,781,138, G>C on the plus strand (C>G on the coding strand, the complement: BARD1 is on the minus strand). VCF-style: chr2-214781138-G-C. GRCh37 (hg19) VCF-style: chr2-215645862-G-C.
Other names: c.679C>G, p.Pro227Ala (NM_001282543.2); c.158+28274C>G (NM_001282548.2); c.215+15923C>G (NM_001282545.2); c.364+11159C>G (NM_001282549.2); short protein forms P246A, P227A.
Identifiers: ClinVar variation 4725731 (VCV004725731.1).